The following is an entry in ClinVar:

NM_000717.5(CA4):c.358G>A (p.Asp120Asn)

Gene: CA4 (carbonic anhydrase 4; plus strand). Cytogenetic location: 17q23.1.
Variant type: single nucleotide variant.
Coding change: c.358G>A on transcript NM_000717.5 (MANE Select); coding-DNA position 358, G replaced by A.
Protein change: p.Asp120Asn; replaces aspartic acid 120 with asparagine.
Molecular consequence: missense variant. On other transcripts: non-coding transcript variant (1).
Genome position (GRCh38, 1-based): chr17:60,157,516, G>A. VCF-style: chr17-60157516-G-A. GRCh37 (hg19) VCF-style: chr17-58234877-G-A.
Other names: short protein forms D120N.
Identifiers: ClinVar variation 963977 (VCV000963977.8), dbSNP rs373844529, ClinGen allele CA8685310.

ClinVar aggregate classification (germline): Uncertain significance (1 of 4 stars; one submission).

Allele frequency attached by ClinVar (database versions not stated): ExAC 0.00003; gnomAD 0.00003 and 0.00004; gnomAD exomes 0.00004; TOPMed 0.00004; ESP Exome Variant Server 0.00008.
gnomAD v4.1: 11 of 1,614,068 alleles (0.00068%); highest among the groups gnomAD compares: East Asian, 0.0089%; no homozygotes.

Submission:

Labcorp Genetics (formerly Invitae), Labcorp
Classification: Uncertain significance. Last evaluated: 2025-03-20. Review status: criteria provided, single submitter. Criteria: Invitae Variant Classification Sherloc (09022015). Collection method: clinical testing. Allele origin: germline.
Comment: This sequence change replaces aspartic acid, which is acidic and polar, with asparagine, which is neutral and polar, at codon 120 of the CA4 protein (p.Asp120Asn). This variant is present in population databases (rs373844529, gnomAD 0.04%). This variant has not been reported in the literature in individuals affected with CA4-related conditions. ClinVar contains an entry for this variant (Variation ID: 963977). An algorithm developed to predict the effect of missense changes on protein structure and function outputs the following: PolyPhen-2: "Benign". The asparagine amino acid residue is found in multiple mammalian species, which suggests that this missense change does not adversely affect protein function. In summary, the available evidence is currently insufficient to determine the role of this variant in disease. Therefore, it has been classified as a Variant of Uncertain Significance.